The following is an entry in ClinVar:

ClinVar aggregate classification (germline): Uncertain significance (1 of 4 stars; one submission).

gnomAD v4.1: 6 of 1,611,312 alleles (0.00037%); highest among the groups gnomAD compares: Admixed American, 0.0017%; no homozygotes.

Submission:

Labcorp Genetics (formerly Invitae), Labcorp
Classification: Uncertain significance. Last evaluated: 2025-09-22. Review status: criteria provided, single submitter. Criteria: Invitae Variant Classification Sherloc (09022015). Collection method: clinical testing. Allele origin: germline.
Comment: This sequence change falls in intron 12 of the ARIH1 gene. It does not directly change the encoded amino acid sequence of the ARIH1 protein. It affects a nucleotide within the consensus splice site. This variant is present in population databases (rs774232635, gnomAD 0.004%). This variant has not been reported in the literature in individuals affected with ARIH1-related conditions. Variants that disrupt the consensus splice site are a relatively common cause of aberrant splicing (PMID: 17576681, 9536098). Algorithms developed to predict the effect of sequence changes on RNA splicing suggest that this variant is not likely to affect RNA splicing. In summary, the available evidence is currently insufficient to determine the role of this variant in disease. Therefore, it has been classified as a Variant of Uncertain Significance.

Literature cited by the submitters: PubMed 17576681; PubMed 9536098.

NM_005744.5(ARIH1):c.1476+4G>A

Gene: ARIH1 (ariadne RBR E3 ubiquitin protein ligase 1; plus strand). Cytogenetic location: 15q24.1.
Variant type: single nucleotide variant.
Coding change: c.1476+4G>A on transcript NM_005744.5 (MANE Select); 4 bases into the intron after coding-DNA position 1476, G replaced by A.
Molecular consequence: intron variant.
Genome position (GRCh38, 1-based): chr15:72,580,995, G>A. VCF-style: chr15-72580995-G-A. GRCh37 (hg19) VCF-style: chr15-72873336-G-A.
Identifiers: ClinVar variation 4768171 (VCV004768171.1).